The following is an entry in ClinVar:

ClinVar aggregate classification (germline): Uncertain significance (1 of 4 stars; one submission).

Conditions:
Charcot-Marie-Tooth disease type 2. Also called: Charcot-Marie-Tooth type 2. Identifiers: Orphanet 64746, MedGen C0270914, MONDO:0018993.

Allele frequency attached by ClinVar (database versions not stated): ExAC 0.00001.

Submission:

Labcorp Genetics (formerly Invitae), Labcorp
Classification: Uncertain significance for Charcot-Marie-Tooth disease type 2. Last evaluated: 2022-06-20. Review status: criteria provided, single submitter. Criteria: Invitae Variant Classification Sherloc (09022015). Collection method: clinical testing. Allele origin: germline.
Comment: In summary, the available evidence is currently insufficient to determine the role of this variant in disease. Therefore, it has been classified as a Variant of Uncertain Significance. Algorithms developed to predict the effect of missense changes on protein structure and function are either unavailable or do not agree on the potential impact of this missense change (SIFT: "Deleterious"; PolyPhen-2: "Probably Damaging"; Align-GVGD: "Class C0"). This variant has not been reported in the literature in individuals affected with KIF1B-related conditions. This variant is present in population databases (rs746472710, gnomAD 0.0009%). This sequence change replaces proline, which is neutral and non-polar, with threonine, which is neutral and polar, at codon 172 of the KIF1B protein (p.Pro172Thr).

NM_001365951.3(KIF1B):c.514C>A (p.Pro172Thr)

Gene: KIF1B (kinesin family member 1B; plus strand). Cytogenetic location: 1p36.22.
Variant type: single nucleotide variant.
Coding change: c.514C>A on transcript NM_001365951.3 (MANE Select); coding-DNA position 514, C replaced by A.
Protein change: p.Pro172Thr; replaces proline 172 with threonine.
Molecular consequence: missense variant.
Genome position (GRCh38, 1-based): chr1:10,267,464, C>A. VCF-style: chr1-10267464-C-A. GRCh37 (hg19) VCF-style: chr1-10327522-C-A.
Other names: c.514C>A, p.Pro172Thr (NM_001365952.1, NM_001365953.1, NM_015074.3 and 1 more transcripts); short protein forms P172T.
Identifiers: ClinVar variation 2169414 (VCV002169414.4), dbSNP rs746472710, ClinGen allele CA580723.